The following is an entry in ClinVar:

NM_001136219.3(FCGR2A):c.144G>A (p.Pro48=)

Gene: FCGR2A (Fc gamma receptor IIa; plus strand). Cytogenetic location: 1q23.3.
Variant type: single nucleotide variant.
Coding change: c.144G>A on transcript NM_001136219.3 (MANE Select); coding-DNA position 144, G replaced by A.
Protein change: p.Pro48=; no amino-acid change (proline 48 retained).
Molecular consequence: synonymous variant.
Genome position (GRCh38, 1-based): chr1:161,506,371, G>A. VCF-style: chr1-161506371-G-A. GRCh37 (hg19) VCF-style: chr1-161476161-G-A.
Other names: c.144G>A, p.Pro48= (NM_001375296.1); c.141G>A, p.Pro47= (NM_001375297.1, NM_021642.5).
Identifiers: ClinVar variation 3039046 (VCV003039046.2), dbSNP rs553243113, ClinGen allele CA1210555.

ClinVar aggregate classification (germline): Likely benign (0 of 4 stars; one submission).

Conditions:
FCGR2A-related disorder. Also called: FCGR2A-related condition.

Allele frequency attached by ClinVar (database versions not stated): TOPMed 0.00008; 1000 Genomes Project 30x 0.00016; gnomAD 0.00017; 1000 Genomes Project 0.00020; ExAC 0.00035.
gnomAD v4.1: 347 of 1,614,164 alleles (0.021%); highest among the groups gnomAD compares: South Asian, 0.069%; no homozygotes.

Submission:

PreventionGenetics, part of Exact Sciences
Classification: Likely benign for FCGR2A-related condition. Last evaluated: 2019-05-28. Review status: no assertion criteria provided. Collection method: clinical testing. Allele origin: germline.
Comment: This variant is classified as likely benign based on ACMG/AMP sequence variant interpretation guidelines (Richards et al. 2015 PMID: 25741868, with internal and published modifications).